The following is an entry in ClinVar:

NM_138387.4(G6PC3):c.899T>C (p.Leu300Pro)

Gene: G6PC3 (glucose-6-phosphatase catalytic subunit 3; plus strand). Cytogenetic location: 17q21.31.
Variant type: single nucleotide variant.
Coding change: c.899T>C on transcript NM_138387.4 (MANE Select); coding-DNA position 899, T replaced by C.
Protein change: p.Leu300Pro; replaces leucine 300 with proline.
Molecular consequence: missense variant. On other transcripts: 3 prime UTR variant (1).
Genome position (GRCh38, 1-based): chr17:44,075,901, T>C. VCF-style: chr17-44075901-T-C. GRCh37 (hg19) VCF-style: chr17-42153269-T-C.
Other names: c.*192T>C (NM_001319945.2); c.554T>C, p.Leu185Pro (NM_001384165.1, NM_001384166.1, NM_001384167.1 and 1 more transcripts); short protein forms L300P, L185P.
Identifiers: ClinVar variation 3852344 (VCV003852344.2).

ClinVar aggregate classification (germline): Uncertain significance. Review status: criteria provided, multiple submitters, no conflicts (2 of 4 stars). 2 submissions from 2 submitters: Uncertain significance (2). Last evaluated 2025-12-03.

Conditions:
Inborn genetic diseases. Identifiers: MedGen C0950123, MeSH D030342.
Autosomal recessive severe congenital neutropenia due to G6PC3 deficiency. Also called: NEUTROPENIA, SEVERE CONGENITAL, 4, AUTOSOMAL RECESSIVE; G6PC3 Deficiency. Identifiers: Orphanet 331176, MedGen C2751630, MONDO:0012930, OMIM 612541.

gnomAD v4.1: 13 of 1,613,018 alleles (0.00081%); highest among the groups gnomAD compares: Non-Finnish European, 0.00093%; no homozygotes.

Submissions (2):

Labcorp Genetics (formerly Invitae), Labcorp
Classification: Uncertain significance for Autosomal recessive severe congenital neutropenia due to G6PC3 deficiency. Last evaluated: 2025-12-03. Review status: criteria provided, single submitter. Criteria: Invitae Variant Classification Sherloc (09022015). Collection method: clinical testing. Allele origin: germline.
Comment: This sequence change replaces leucine, which is neutral and non-polar, with proline, which is neutral and non-polar, at codon 300 of the G6PC3 protein (p.Leu300Pro). This variant is present in population databases (no rsID available, gnomAD 0.002%). This variant has not been reported in the literature in individuals affected with G6PC3-related conditions. ClinVar contains an entry for this variant (Variation ID: 3852344). Invitae Evidence Modeling of protein sequence and biophysical properties (such as structural, functional, and spatial information, amino acid conservation, physicochemical variation, residue mobility, and thermodynamic stability) indicates that this missense variant is expected to disrupt G6PC3 protein function with a positive predictive value of 95%. In summary, the available evidence is currently insufficient to determine the role of this variant in disease. Therefore, it has been classified as a Variant of Uncertain Significance.

Ambry Genetics
Classification: Uncertain significance for Inborn genetic diseases. Last evaluated: 2025-01-14. Review status: criteria provided, single submitter. Criteria: Ambry Variant Classification Scheme 2023. Collection method: clinical testing. Allele origin: germline.
Comment: The p.L300P variant (also known as c.899T>C), located in coding exon 6 of the G6PC3 gene, results from a T to C substitution at nucleotide position 899. The leucine at codon 300 is replaced by proline, an amino acid with similar properties. This amino acid position is conserved. In addition, the in silico prediction for this alteration is inconclusive. Based on the available evidence, the clinical significance of this variant remains unclear.